The following is an entry in ClinVar:

ClinVar aggregate classification (germline): Uncertain significance (1 of 4 stars; one submission).

Conditions:
Cardiovascular phenotype. Identifiers: MedGen CN230736.

Submission:

Ambry Genetics
Classification: Uncertain significance for Cardiovascular phenotype. Last evaluated: 2025-06-10. Review status: criteria provided, single submitter. Criteria: Ambry Variant Classification Scheme 2023. Collection method: clinical testing. Allele origin: germline.
Comment: The p.L1890M variant (also known as c.5668C>A), located in coding exon 26 of the APOB gene, results from a C to A substitution at nucleotide position 5668. The leucine at codon 1890 is replaced by methionine, an amino acid with highly similar properties. This amino acid position is conserved. In addition, this alteration is predicted to be tolerated by in silico analysis. Since supporting evidence is limited at this time, the clinical significance of this alteration remains unclear.

NM_000384.3(APOB):c.5668C>A (p.Leu1890Met)

Gene: APOB (apolipoprotein B; minus strand). Cytogenetic location: 2p24.1.
Variant type: single nucleotide variant.
Coding change: c.5668C>A on transcript NM_000384.3 (MANE Select); coding-DNA position 5668, C replaced by A.
Protein change: p.Leu1890Met; replaces leucine 1890 with methionine.
Molecular consequence: missense variant.
Genome position (GRCh38, 1-based): chr2:21,011,200, G>T on the plus strand (C>A on the coding strand, the complement: APOB is on the minus strand). VCF-style: chr2-21011200-G-T. GRCh37 (hg19) VCF-style: chr2-21234072-G-T.
Other names: short protein forms L1890M.
Identifiers: ClinVar variation 1748938 (VCV001748938.3), dbSNP rs780687467, ClinGen allele CA346004234.